The following is an entry in ClinVar:

ClinVar aggregate classification (germline): Uncertain significance (1 of 4 stars; one submission).

Conditions:
Inborn genetic diseases. Identifiers: MedGen C0950123, MeSH D030342.

gnomAD v4.1: 2 of 1,611,198 alleles (0.00012%); highest among the groups gnomAD compares: South Asian, 0.0011%; no homozygotes.

Submission:

Ambry Genetics
Classification: Uncertain significance for Inborn genetic diseases. Last evaluated: 2026-08-08. Review status: criteria provided, single submitter. Criteria: Ambry Variant Classification Scheme 2023. Collection method: clinical testing. Allele origin: germline.
Comment: The p.V2014I variant (also known as c.6040G>A), located in coding exon 23 of the FANCM gene, results from a G to A substitution at nucleotide position 6040. The valine at codon 2014 is replaced by isoleucine, an amino acid with highly similar properties. This amino acid position is conserved. In addition, this alteration is predicted to be tolerated by in silico analysis. Based on the available evidence, the clinical significance of this variant remains unclear.

NM_020937.4(FANCM):c.6040G>A (p.Val2014Ile)

Gene: FANCM (FA complementation group M; plus strand). Cytogenetic location: 14q21.2.
Variant type: single nucleotide variant.
Coding change: c.6040G>A on transcript NM_020937.4 (MANE Select); coding-DNA position 6040, G replaced by A.
Protein change: p.Val2014Ile; replaces valine 2014 with isoleucine.
Molecular consequence: missense variant.
Genome position (GRCh38, 1-based): chr14:45,199,901, G>A. VCF-style: chr14-45199901-G-A. GRCh37 (hg19) VCF-style: chr14-45669104-G-A.
Other names: c.5962G>A, p.Val1988Ile (NM_001308133.2); short protein forms V1988I, V2014I.
Identifiers: ClinVar variation 5021480 (VCV005021480.1).
Genomic context (GRCh38, chr14:45,199,901, plus strand): 5'-GTAATGATTTTGTCTCATTTATTTTTCAGCTCACTTCAAGAAATCTCCATGTATGCACAA[G>A]TAACTCATCAGAAGGCTGAGGAGATCTATAGATATATTCACTATGTATTTGACATACAAA-3'
Protein context (NP_065988.1, residues 2004-2024): SLQEISMYAQ[Val2014Ile]THQKAEEIYR